The following is an entry in ClinVar:

NM_022042.4(SLC26A1):c.400G>A (p.Gly134Arg)

Genes: IDUA (alpha-L-iduronidase; plus strand), SLC26A1 (solute carrier family 26 member 1; minus strand). Cytogenetic location: 4p16.3.
Variant type: single nucleotide variant.
Coding change: c.400G>A on transcript NM_022042.4 (MANE Select); coding-DNA position 400, G replaced by A.
Protein change: p.Gly134Arg; replaces glycine 134 with arginine.
Molecular consequence: missense variant. On other transcripts: intron variant (1).
Genome position (GRCh38, 1-based): chr4:991,304, C>T on the plus strand (G>A on the coding strand, the complement: SLC26A1 is on the minus strand). VCF-style: chr4-991304-C-T. GRCh37 (hg19) VCF-style: chr4-985092-C-T.
Other names: c.400G>A, p.Gly134Arg (NM_134425.4, NM_213613.4); c.299+3355C>T (NM_000203.5); short protein forms G134R.
Identifiers: ClinVar variation 1348901 (VCV001348901.10), dbSNP rs201921976, ClinGen allele CA2801681.

ClinVar aggregate classification (germline): Uncertain significance. Review status: criteria provided, multiple submitters, no conflicts (2 of 4 stars). 2 submissions from 2 submitters: Uncertain significance (2). Last evaluated 2025-01-20.

Conditions:
Nephrolithiasis susceptibility caused by SLC26A1 (CAON1). Also called: NEPHROLITHIASIS, CALCIUM OXALATE, 1. Identifiers: MedGen C5779632, MONDO:0020722, OMIM 167030.
Hypersulfaturia (HYSULF). Identifiers: MedGen C5830511, MONDO:0957268, OMIM 620372.

Allele frequency attached by ClinVar (database versions not stated): ExAC 0.00009; gnomAD exomes 0.00012 and 0.00031; ESP Exome Variant Server 0.00015; gnomAD 0.00017; TOPMed 0.00017.
gnomAD v4.1: 472 of 1,612,672 alleles (0.029%); highest among the groups gnomAD compares: Non-Finnish European, 0.038%; no homozygotes.

Submissions (2):

Labcorp Genetics (formerly Invitae), Labcorp
Classification: Uncertain significance. Last evaluated: 2025-01-20. Review status: criteria provided, single submitter. Criteria: Invitae Variant Classification Sherloc (09022015). Collection method: clinical testing. Allele origin: germline.
Comment: This sequence change replaces glycine, which is neutral and non-polar, with arginine, which is basic and polar, at codon 134 of the SLC26A1 protein (p.Gly134Arg). This variant is present in population databases (rs201921976, gnomAD 0.02%). This variant has not been reported in the literature in individuals affected with SLC26A1-related conditions. ClinVar contains an entry for this variant (Variation ID: 1348901). Invitae Evidence Modeling of protein sequence and biophysical properties (such as structural, functional, and spatial information, amino acid conservation, physicochemical variation, residue mobility, and thermodynamic stability) has been performed for this missense variant. However, the output from this modeling did not meet the statistical confidence thresholds required to predict the impact of this variant on SLC26A1 protein function. In summary, the available evidence is currently insufficient to determine the role of this variant in disease. Therefore, it has been classified as a Variant of Uncertain Significance.

Fulgent Genetics
Classification: Uncertain significance for Nephrolithiasis susceptibility caused by SLC26A1; Hypersulfaturia. Last evaluated: 2024-04-02. Review status: criteria provided, single submitter. Criteria: ACMG Guidelines, 2015. Collection method: clinical testing. Allele origin: germline.